The following is an entry in ClinVar:

ClinVar aggregate classification (germline): Likely benign (1 of 4 stars; one submission).

Allele frequency attached by ClinVar (database versions not stated): TOPMed below 0.00001.
gnomAD v4.1: 28 of 1,590,598 alleles (0.0018%); highest among the groups gnomAD compares: Non-Finnish European, 0.0023%; no homozygotes.

Submission:

CeGaT Center for Human Genetics Tuebingen
Classification: Likely benign. Last evaluated: 2024-03-01. Review status: criteria provided, single submitter. Criteria: CeGaT Center For Human Genetics Tuebingen Variant Classification Criteria Version 2. Collection method: clinical testing. Allele origin: germline. Affected: yes. Observed: 1 variant allele.
Comment: COL14A1: BP4, BP7

NM_021110.4(COL14A1):c.5022A>T (p.Pro1674=)

Gene: COL14A1 (collagen type XIV alpha 1 chain; plus strand). Cytogenetic location: 8q24.12.
Variant type: single nucleotide variant.
Coding change: c.5022A>T on transcript NM_021110.4 (MANE Select); coding-DNA position 5022, A replaced by T.
Protein change: p.Pro1674=; no amino-acid change (proline 1674 retained).
Molecular consequence: synonymous variant.
Genome position (GRCh38, 1-based): chr8:120,345,508, A>T. VCF-style: chr8-120345508-A-T. GRCh37 (hg19) VCF-style: chr8-121357747-A-T.
Other names: c.5022A>T, p.Pro1674= (NM_001384947.1, NM_001413490.1, NM_001413491.1 and 3 more transcripts); c.4935A>T, p.Pro1645= (NM_001413495.1, NM_001413498.1); c.2670A>T, p.Pro890= (NM_001413499.1, NM_001413500.1).
Identifiers: ClinVar variation 3234393 (VCV003234393.20), dbSNP rs1255628840, ClinGen allele CA462676772.
Genomic context (GRCh38, chr8:120,345,508, plus strand): 5'-GCCTCCTGGGGAGCCTGGGAGGCCAGGCTCACCTGGAGCCCCTGGTGAACAAGGACCCCC[A>T]GGCACACCAGGCTTCCCCGGAAATGCAGGCGTGCCAGGGACCCCAGGAGAACGAGGTAAG-3'
Protein context (NP_066933.1, residues 1664-1684): SPGAPGEQGP[Pro1674=]GTPGFPGNAG